The following is an entry in ClinVar:

ClinVar aggregate classification (germline): Benign/Likely benign. Review status: criteria provided, multiple submitters, no conflicts (2 of 4 stars). 7 submissions from 7 submitters: Benign (2); Likely benign (4). 1 of the submissions does not count toward it. Last evaluated 2026-01-27.

Conditions:
Immunodeficiency, common variable, 7. Identifiers: Orphanet 1572, Orphanet 696894, MedGen C3542922, MONDO:0013862, OMIM 614699.
CR2-related disorder. Also called: CR2-related disorders; CR2-related condition.

Submissions (7):

Labcorp Genetics (formerly Invitae), Labcorp
Classification: Benign for Immunodeficiency, common variable, 7. Last evaluated: 2026-01-27. Review status: criteria provided, single submitter. Criteria: Invitae Variant Classification Sherloc (09022015). Collection method: clinical testing. Allele origin: germline.

Women's Health and Genetics/Laboratory Corporation of America, LabCorp
Classification: Likely benign. Last evaluated: 2026-01-23. Review status: criteria provided, single submitter. Criteria: LabCorp Variant Classification Summary - May 2015. Collection method: clinical testing. Allele origin: germline.

CeGaT Center for Human Genetics Tuebingen
Classification: Benign. Last evaluated: 2025-10-01. Review status: criteria provided, single submitter. Criteria: CeGaT Center For Human Genetics Tuebingen Variant Classification Criteria Version 2. Collection method: clinical testing. Allele origin: germline. Affected: yes. Observed: 1 variant allele.
Comment: CR2: BP4, BS1, BS2

Blueprint Genetics
Classification: Likely benign. Last evaluated: 2024-10-18. Review status: criteria provided, single submitter. Criteria: ACMG Guidelines, 2015. Collection method: clinical testing. Allele origin: germline.

Genome-Nilou Lab
Classification: Likely benign for Immunodeficiency, common variable, 7. Last evaluated: 2023-04-11. Review status: criteria provided, single submitter. Criteria: ACMG Guidelines, 2015. Collection method: clinical testing. Allele origin: germline. Affected: no.

ARUP Laboratories, Molecular Genetics and Genomics, ARUP Laboratories
Classification: Likely benign. Last evaluated: 2020-06-05. Review status: criteria provided, single submitter. Criteria: ARUP Molecular Germline Variant Investigation Process. Collection method: clinical testing. Allele origin: germline.

PreventionGenetics, part of Exact Sciences
Classification: Benign for CR2-related condition. Last evaluated: 2019-09-17. Review status: no assertion criteria provided. Collection method: clinical testing. Allele origin: germline. Not counted in ClinVar's aggregate classification.
Comment: This variant is classified as benign based on ACMG/AMP sequence variant interpretation guidelines (Richards et al. 2015 PMID: 25741868, with internal and published modifications).

NM_001006658.3(CR2):c.3189-8_3189-7del

Gene: CR2 (complement C3d receptor 2; plus strand). Cytogenetic location: 1q32.2.
Variant type: Deletion.
Coding change: c.3189-8_3189-7del on transcript NM_001006658.3 (MANE Select); 8 bases into the intron before coding-DNA position 3189 through 7 bases into the intron before coding-DNA position 3189, 2 bases deleted (CT; older notation c.3189-8_3189-7delCT).
Molecular consequence: intron variant.
Genome position (GRCh38, 1-based): chr1:207,485,456-207,485,457, CT deleted; deleting any 2 consecutive bases within chr1:207,485,455-207,485,457 gives the same sequence; the c. name uses the placement nearest the transcript's 3' end. VCF-style (leftmost placement, unchanged base first): chr1-207485454-TTC-T. GRCh37 (hg19) VCF-style: chr1-207658799-TTC-T.
Other names: c.3189-8_3189-7delCT (NM_001006658.3, NM_001006658.2); c.3012-8_3012-7del (NM_001877.5).
Identifiers: ClinVar variation 473099 (VCV000473099.31), dbSNP rs112859639, ClinGen allele CA1369191.